The following is an entry in ClinVar:

NM_000059.4(BRCA2):c.5200G>T (p.Glu1734Ter)

Gene: BRCA2 (BRCA2 DNA repair associated; plus strand). Cytogenetic location: 13q13.1.
Variant type: single nucleotide variant.
Coding change: c.5200G>T on transcript NM_000059.4 (MANE Select); coding-DNA position 5200, G replaced by T.
Protein change: p.Glu1734Ter; replaces glutamic acid 1734 with a stop codon.
Molecular consequence: nonsense.
Genome position (GRCh38, 1-based): chr13:32,339,555, G>T. VCF-style: chr13-32339555-G-T. GRCh37 (hg19) VCF-style: chr13-32913692-G-T.
Other names: short protein forms E1734*.
Identifiers: ClinVar variation 254554 (VCV000254554.4), dbSNP rs786202543, ClinGen allele CA10586538.

ClinVar aggregate classification (germline): Pathogenic (3 of 4 stars; one submission).

Conditions:
Breast-ovarian cancer, familial, susceptibility to, 2 (BROVCA2). Also called: BRCA2 Hereditary Breast and Ovarian Cancer. Identifiers: Orphanet 145, MedGen C2675520, MONDO:0012933, OMIM 612555. Disease mechanism: loss of function.

Submission:

Evidence-based Network for the Interpretation of Germline Mutant Alleles (ENIGMA)
Classification: Pathogenic for Breast-ovarian cancer, familial, susceptibility to, 2. Last evaluated: 2016-09-08. Review status: reviewed by expert panel. Criteria: ENIGMA BRCA1/2 Classification Criteria (2015). Collection method: curation. Allele origin: germline.
Comment: Variant allele predicted to encode a truncated non-functional protein.